The following is an entry in ClinVar:

ClinVar aggregate classification (germline): Uncertain significance (1 of 4 stars; one submission).

Conditions:
Spinocerebellar ataxia type 26 (SCA26). Identifiers: Orphanet 101112, MedGen C1836395, MONDO:0012246, OMIM 609306.

Submission:

Broad Center for Mendelian Genomics, Broad Institute of MIT and Harvard
Classification: Uncertain significance for Spinocerebellar ataxia type 26. Last evaluated: 2023-01-25. Review status: criteria provided, single submitter. Criteria: ACMG Guidelines, 2015. Collection method: curation. Allele origin: germline.
Comment: The p.Ala148ProfsTer8 variant in EEF2 has not been previously reported in individuals with autosomal dominant spinocerebellar ataxia type 26. This variant was absent from large population studies. This variant is predicted to cause a frameshift, which alters the protein‚Äôs amino acid sequence beginning at position 148 and leads to a premature termination codon 8 amino acids downstream. This alteration is then predicted to lead to a truncated or absent protein. It is of note that loss of function of EEF2 gene in an autosomal dominant disease has not yet been established based on the criteria laid out in Tayoun et al., 2018 (PMID: 30192042). In summary, the clinical significance of the p.Ala148ProfsTer8 variant is uncertain. ACMG/AMP Criteria applied: PM2_Supporting (Richards 2015).

NM_001961.4(EEF2):c.442del (p.Ala148fs)

Gene: EEF2 (eukaryotic translation elongation factor 2; minus strand). Cytogenetic location: 19p13.3.
Variant type: Deletion.
Coding change: c.442del on transcript NM_001961.4 (MANE Select); coding-DNA position 442, one base deleted (G; older notation c.442delG).
Protein change: p.Ala148fs; shifts the reading frame from alanine 148.
Molecular consequence: frameshift variant.
Genome position (GRCh38, 1-based): chr19:3,982,977, C deleted on the plus strand (G on the coding strand, the reverse complement: EEF2 is on the minus strand). VCF-style (leftmost placement, unchanged base first): chr19-3982976-GC-G. GRCh37 (hg19) VCF-style: chr19-3982974-GC-G.
Other names: NM_001961.4:c.442del; short protein forms A148fs.
Identifiers: ClinVar variation 2412766 (VCV002412766.1), dbSNP rs2512206570, ClinGen allele CA2573332757.
Genomic context (GRCh38, chr19:3,982,976, plus strand): 5'-TGCAGCTCCAGCAGGGCGCGGTCCATCTTGTTCATCATCAGCACAGGCTTGATGCGCTCG[GC>G]AATGGCCTGCCGCAGCACTGTCTCCGTCTGCACGCACACGCCTGGGGACACGGGGGACAG-3'